The following is an entry in ClinVar:

ClinVar aggregate classification (germline): Pathogenic (1 of 4 stars; one submission).

Conditions:
Loeys-Dietz syndrome 4 (LDS4). Also called: ANEURYSM, AORTIC AND CEREBRAL, WITH ARTERIAL TORTUOSITY AND SKELETAL MANIFESTATIONS; TGFB2-Related Loeys-Dietz Syndrome. Identifiers: MedGen C3553762, MONDO:0013897, OMIM 614816.

Submission:

Labcorp Genetics (formerly Invitae), Labcorp
Classification: Pathogenic for Loeys-Dietz syndrome 4. Last evaluated: 2023-03-10. Review status: criteria provided, single submitter. Criteria: Invitae Variant Classification Sherloc (09022015). Collection method: clinical testing. Allele origin: germline.
Comment: For these reasons, this variant has been classified as Pathogenic. This variant has not been reported in the literature in individuals affected with TGFB2-related conditions. This variant is not present in population databases (gnomAD no frequency). This sequence change creates a premature translational stop signal (p.Arg320Leufs*11) in the TGFB2 gene. It is expected to result in an absent or disrupted protein product. Loss-of-function variants in TGFB2 are known to be pathogenic (PMID: 22772368, 22772371, 30739908).

Literature cited by the submitters: PubMed 22772368; PubMed 22772371; PubMed 30739908.

NM_003238.6(TGFB2):c.959del (p.Arg320fs)

Gene: TGFB2 (transforming growth factor beta 2; plus strand). Cytogenetic location: 1q41.
Variant type: Deletion.
Coding change: c.959del on transcript NM_003238.6 (MANE Select); coding-DNA position 959, one base deleted (G; older notation c.959delG).
Protein change: p.Arg320fs; shifts the reading frame from arginine 320.
Molecular consequence: frameshift variant. On other transcripts: non-coding transcript variant (2).
Genome position (GRCh38, 1-based): chr1:218,437,369, G deleted. VCF-style (leftmost placement, unchanged base first): chr1-218437368-CG-C. GRCh37 (hg19) VCF-style: chr1-218610710-CG-C.
Other names: c.1043del, p.Arg348fs (NM_001135599.4); short protein forms R320fs, R348fs.
Identifiers: ClinVar variation 2899783 (VCV002899783.3), dbSNP rs2464877339, ClinGen allele CA2739275667.
Genomic context (GRCh38, chr1:218,437,368, plus strand): 5'-AAATCTCCATTGCTTTTTTTTTTTTTTTTTAACAGAAATGTGCAGGATAATTGCTGCCTA[CG>C]TCCACTTTACATTGATTTCAAGAGGGATCTAGGGTGGAAATGGATACACGAACCCAAAGG-3'